The following is an entry in ClinVar:

ClinVar aggregate classification (germline): Pathogenic/Likely pathogenic. Review status: criteria provided, multiple submitters, no conflicts (2 of 4 stars). 2 submissions from 2 submitters: Pathogenic (1); Likely pathogenic (1). Last evaluated 2024-02-02.

Conditions:
AIPL1-related disorder. Also called: AIPL1-related condition; AIPL1-related disorders. Identifiers: MedGen CN239169.
Leber congenital amaurosis 4 (LCA4). Identifiers: MedGen C1858386, MONDO:0011458, OMIM 604393.

Submissions (2):

Labcorp Genetics (formerly Invitae), Labcorp
Classification: Pathogenic for Leber congenital amaurosis 4. Last evaluated: 2024-02-02. Review status: criteria provided, single submitter. Criteria: Invitae Variant Classification Sherloc (09022015). Collection method: clinical testing. Allele origin: germline.
Comment: This sequence change results in a frameshift in the AIPL1 gene (p.Glu318Glyfs*90). While this is not anticipated to result in nonsense mediated decay, it is expected to disrupt the last 67 amino acid(s) of the AIPL1 protein and extend the protein by 22 additional amino acid residues. This variant is present in population databases (rs762137834, gnomAD 0.0009%). This variant has not been reported in the literature in individuals affected with AIPL1-related conditions. This variant results in an extension of the AIPL1 protein. Other variant(s) that result in a similarly extended protein product (p.Glu337Alafs*70) have been determined to be pathogenic (PMID: 10615133; Invitae). This suggests that these extensions are likely to be disease-causing. For these reasons, this variant has been classified as Pathogenic.

Blueprint Genetics
Classification: Likely pathogenic for AIPL1-related disorders. Last evaluated: 2023-11-10. Review status: criteria provided, single submitter. Criteria: ACMG Guidelines, 2015. Collection method: clinical testing. Allele origin: germline. Affected: yes. Observed: 3 variant alleles.

Literature cited by the submitters: PubMed 10615133 (cited by Labcorp Genetics (formerly Invitae), Labcorp).

NM_014336.5(AIPL1):c.950dup (p.Glu318fs)

Gene: AIPL1 (AIP like 1 HSP90 co-chaperone; minus strand). Cytogenetic location: 17p13.2.
Variant type: Duplication.
Coding change: c.950dup on transcript NM_014336.5 (MANE Select); coding-DNA position 950, one base duplicated (A; older notation c.950dupA).
Protein change: p.Glu318fs; shifts the reading frame from glutamic acid 318.
Molecular consequence: frameshift variant. On other transcripts: 3 prime UTR variant (1).
Genome position (GRCh38, 1-based): chr17:6,425,665, T duplicated on the plus strand (A on the coding strand, the reverse complement: AIPL1 is on the minus strand). VCF-style (leftmost placement, unchanged base first): chr17-6425664-C-CT. GRCh37 (hg19) VCF-style: chr17-6328984-C-CT.
Other names: c.761dup, p.Glu255fs (NM_001033054.3); c.770dup, p.Glu258fs (NM_001033055.3); c.914dup, p.Glu306fs (NM_001285399.3); c.884dup, p.Glu296fs (NM_001285400.3); c.878dup, p.Glu294fs (NM_001285401.3); c.833dup, p.Glu279fs (NM_001285402.2); c.*921dup (NM_001285403.4); short protein forms E255fs, E294fs, E296fs, E318fs, E306fs, E258fs, E279fs.
Identifiers: ClinVar variation 3678853 (VCV003678853.3).